The following is an entry in ClinVar:

ClinVar aggregate classification (germline): Uncertain significance. Review status: criteria provided, multiple submitters, no conflicts (2 of 4 stars). 2 submissions from 2 submitters: Uncertain significance (2). Last evaluated 2025-08-11.

Conditions:
Hereditary cancer-predisposing syndrome. Also called: Neoplastic Syndromes, Hereditary; Tumor predisposition; Hereditary neoplastic syndrome; Hereditary Cancer Syndrome. Identifiers: Orphanet 140162, MedGen C0027672, MeSH D009386, MONDO:0015356.
POLD1-related polyposis and colorectal cancer syndrome (CRCS10). Also called: COLORECTAL CANCER, SUSCEPTIBILITY TO, ON CHROMOSOME 19q; Colorectal cancer 10; Colorectal cancer, susceptibility to, 10. Identifiers: Orphanet 220460, MedGen C2675481, MONDO:0012953, OMIM 612591.

Allele frequency attached by ClinVar (database versions not stated): TOPMed 0.00001.
gnomAD v4.1: 1 of 1,606,444 alleles (0.000062%); no homozygotes.

Submissions (2):

Labcorp Genetics (formerly Invitae), Labcorp
Classification: Uncertain significance for POLD1-related polyposis and colorectal cancer syndrome. Last evaluated: 2025-08-11. Review status: criteria provided, single submitter. Criteria: Invitae Variant Classification Sherloc (09022015). Collection method: clinical testing. Allele origin: germline.
Comment: This sequence change replaces valine, which is neutral and non-polar, with alanine, which is neutral and non-polar, at codon 220 of the POLD1 protein (p.Val220Ala). This variant is not present in population databases (gnomAD no frequency). This variant has not been reported in the literature in individuals affected with POLD1-related conditions. ClinVar contains an entry for this variant (Variation ID: 1754397). Invitae Evidence Modeling of protein sequence and biophysical properties (such as structural, functional, and spatial information, amino acid conservation, physicochemical variation, residue mobility, and thermodynamic stability) indicates that this missense variant is not expected to disrupt POLD1 protein function with a negative predictive value of 80%. In summary, the available evidence is currently insufficient to determine the role of this variant in disease. Therefore, it has been classified as a Variant of Uncertain Significance.

Ambry Genetics
Classification: Uncertain significance for Hereditary cancer-predisposing syndrome. Last evaluated: 2022-10-02. Review status: criteria provided, single submitter. Criteria: Ambry Variant Classification Scheme 2023. Collection method: clinical testing. Allele origin: germline.
Comment: The p.V220A variant (also known as c.659T>C), located in coding exon 5 of the POLD1 gene, results from a T to C substitution at nucleotide position 659. The valine at codon 220 is replaced by alanine, an amino acid with similar properties. This amino acid position is conserved. In addition, this alteration is predicted to be tolerated by in silico analysis. Since supporting evidence is limited at this time, the clinical significance of this alteration remains unclear.

NM_002691.4(POLD1):c.659T>C (p.Val220Ala)

Gene: POLD1 (DNA polymerase delta 1, catalytic subunit; plus strand). Cytogenetic location: 19q13.33.
Variant type: single nucleotide variant.
Coding change: c.659T>C on transcript NM_002691.4 (MANE Select); coding-DNA position 659, T replaced by C.
Protein change: p.Val220Ala; replaces valine 220 with alanine.
Molecular consequence: missense variant. On other transcripts: non-coding transcript variant (1).
Genome position (GRCh38, 1-based): chr19:50,402,274, T>C. VCF-style: chr19-50402274-T-C. GRCh37 (hg19) VCF-style: chr19-50905531-T-C.
Other names: c.659T>C, p.Val220Ala (NM_001256849.1, NM_001308632.1); short protein forms V220A.
Identifiers: ClinVar variation 1754397 (VCV001754397.5), dbSNP rs2038676667, ClinGen allele CA406974188.